The following is an entry in ClinVar:

ClinVar aggregate classification (germline): Uncertain significance (1 of 4 stars; one submission).

gnomAD v4.1: 1 of 1,613,418 alleles (0.000062%); no homozygotes.

Submission:

Labcorp Genetics (formerly Invitae), Labcorp
Classification: Uncertain significance. Last evaluated: 2023-07-17. Review status: criteria provided, single submitter. Criteria: Invitae Variant Classification Sherloc (09022015). Collection method: clinical testing. Allele origin: germline.
Comment: In summary, the available evidence is currently insufficient to determine the role of this variant in disease. Therefore, it has been classified as a Variant of Uncertain Significance. Advanced modeling of protein sequence and biophysical properties (such as structural, functional, and spatial information, amino acid conservation, physicochemical variation, residue mobility, and thermodynamic stability) performed at Invitae indicates that this missense variant is not expected to disrupt ANKH protein function. ClinVar contains an entry for this variant (Variation ID: 1009101). This variant has not been reported in the literature in individuals affected with ANKH-related conditions. This variant is not present in population databases (gnomAD no frequency). This sequence change replaces threonine, which is neutral and polar, with asparagine, which is neutral and polar, at codon 442 of the ANKH protein (p.Thr442Asn).

NM_054027.6(ANKH):c.1325C>A (p.Thr442Asn)

Genes: ANKH (ANKH inorganic pyrophosphate transport regulator; minus strand), OTULIN (OTU deubiquitinase with linear linkage specificity; plus strand), LOC100130744 (uncharacterized LOC100130744; plus strand). Cytogenetic location: 5p15.2.
Variant type: single nucleotide variant.
Coding change: c.1325C>A on transcript NM_054027.6 (MANE Select); coding-DNA position 1325, C replaced by A.
Protein change: p.Thr442Asn; replaces threonine 442 with asparagine.
Molecular consequence: missense variant. On other transcripts: non-coding transcript variant (1).
Genome position (GRCh38, 1-based): chr5:14,712,914, G>T on the plus strand (C>A on the coding strand, the complement: ANKH is on the minus strand). VCF-style: chr5-14712914-G-T. GRCh37 (hg19) VCF-style: chr5-14713023-G-T.
Other names: short protein forms T442N.
Identifiers: ClinVar variation 1009101 (VCV001009101.8), dbSNP rs1263536461, ClinGen allele CA359244832.